The following is an entry in ClinVar:

NM_000392.5(ABCC2):c.2613A>G (p.Glu871=)

Gene: ABCC2 (ATP binding cassette subfamily C member 2; plus strand). Cytogenetic location: 10q24.2.
Variant type: single nucleotide variant.
Coding change: c.2613A>G on transcript NM_000392.5 (MANE Select); coding-DNA position 2613, A replaced by G.
Protein change: p.Glu871=; no amino-acid change (glutamic acid 871 retained).
Molecular consequence: synonymous variant.
Genome position (GRCh38, 1-based): chr10:99,819,262, A>G. VCF-style: chr10-99819262-A-G. GRCh37 (hg19) VCF-style: chr10-101579019-A-G.
Other names: c.2613A>G, p.Glu871= (LRG_1208t1).
Identifiers: ClinVar variation 288094 (VCV000288094.38), dbSNP rs76302654, ClinGen allele CA5643523.

ClinVar aggregate classification (germline): Conflicting classifications of pathogenicity. Review status: criteria provided, conflicting classifications (1 of 4 stars). 5 submissions from 5 submitters: Uncertain significance (3); Benign (1); Likely benign (1). Last evaluated 2026-09-01.

Conditions:
Dubin-Johnson syndrome (DJS). Also called: HYPERBILIRUBINEMIA, DUBIN-JOHNSON TYPE; Jaundice, Chronic Idiopathic; Hyperbilirubinemia type 2. Identifiers: Orphanet 234, MedGen C0022350, MONDO:0009380, OMIM 237500.

Allele frequency attached by ClinVar (database versions not stated): gnomAD 0.00057 and 0.00056; ExAC 0.00062; gnomAD exomes 0.00062; ESP Exome Variant Server 0.00085; TOPMed 0.00038; 1000 Genomes Project 0.00040; 1000 Genomes Project 30x 0.00047.
gnomAD v4.1: 1,336 of 1,613,540 alleles (0.083%); highest among the groups gnomAD compares: Middle Eastern, 0.38%; 3 homozygotes.

Submissions (5):

CeGaT Center for Human Genetics Tuebingen
Classification: Likely benign. Last evaluated: 2026-09-01. Review status: criteria provided, single submitter. Criteria: CeGaT Center For Human Genetics Tuebingen Variant Classification Criteria Version 2. Collection method: clinical testing. Allele origin: germline. Affected: yes. Observed: 2 variant alleles.
Comment: ABCC2: BP4, BP7

Labcorp Genetics (formerly Invitae), Labcorp
Classification: Benign. Last evaluated: 2025-12-22. Review status: criteria provided, single submitter. Criteria: Invitae Variant Classification Sherloc (09022015). Collection method: clinical testing. Allele origin: germline.

Eurofins Ntd Llc (ga)
Classification: Uncertain significance. Last evaluated: 2018-07-24. Review status: criteria provided, single submitter. Criteria: EGL ClinVar v180209 classification definitions. Collection method: clinical testing. Allele origin: germline. Observed: 3 variant alleles, 3 heterozygotes.

Illumina Laboratory Services, Illumina
Classification: Uncertain significance for Dubin-Johnson syndrome. Last evaluated: 2018-01-12. Review status: criteria provided, single submitter. Criteria: ICSL Variant Classification Criteria 13 December 2019. Collection method: clinical testing. Allele origin: germline.

Breakthrough Genomics
Classification: Uncertain significance. Review status: criteria provided, single submitter. Criteria: ACMG Guidelines, 2015. Collection method: not provided. Allele origin: germline. Inheritance: Autosomal recessive inheritance. Affected: yes.